The following is an entry in ClinVar:

NM_002230.4(JUP):c.1159-13C>A

Gene: JUP (junction plakoglobin; minus strand). Cytogenetic location: 17q21.2.
Variant type: single nucleotide variant.
Coding change: c.1159-13C>A on transcript NM_002230.4 (MANE Select); 13 bases into the intron before coding-DNA position 1159, C replaced by A.
Molecular consequence: intron variant.
Genome position (GRCh38, 1-based): chr17:41,763,334, G>T on the plus strand (C>A on the coding strand, the complement: JUP is on the minus strand). VCF-style: chr17-41763334-G-T. GRCh37 (hg19) VCF-style: chr17-39919586-G-T.
Other names: c.1159-13C>A (NM_001352774.2, NM_021991.4, NM_001352776.2 and 3 more transcripts).
Identifiers: ClinVar variation 45830 (VCV000045830.32), dbSNP rs201627219, ClinGen allele CA137122.

ClinVar aggregate classification (germline): Benign/Likely benign. Review status: criteria provided, multiple submitters, no conflicts (2 of 4 stars). 11 submissions from 10 submitters: Benign (5); Likely benign (3). 3 of the submissions do not count toward it. Last evaluated 2026-02-01.

Conditions:
Arrhythmogenic right ventricular dysplasia 12. Also called: ARRHYTHMOGENIC RIGHT VENTRICULAR DYSPLASIA, FAMILIAL, 12. Identifiers: MedGen C1969081, MONDO:0012684, OMIM 611528.
Naxos disease (NXD). Also called: CARDIOMYOPATHY, ARRHYTHMOGENIC RIGHT VENTRICULAR, WITH SKIN, HAIR, AND NAIL ABNORMALITIES; KERATOSIS PALMOPLANTARIS WITH ARRHYTHMOGENIC CARDIOMYOPATHY; MAL DE NAXOS; PALMOPLANTAR KERATODERMA WITH ARRHYTHMOGENIC RIGHT VENTRICULAR CARDIOMYOPATHY AND WOOLLY HAIR; WOOLLY HAIR, PALMOPLANTAR KERATODERMA, AND CARDIAC ABNORMALITIES. Identifiers: Orphanet 34217, MedGen C1832600, MONDO:0011017, OMIM 601214.

Allele frequency attached by ClinVar (database versions not stated): 1000 Genomes Project 0.00180; 1000 Genomes Project 30x 0.00187; gnomAD 0.00258; TOPMed 0.00259; ESP Exome Variant Server 0.00331.
gnomAD v4.1: 689 of 1,606,170 alleles (0.043%); highest among the groups gnomAD compares: African/African-American, 0.83%; 5 homozygotes.

Submissions (15):

Labcorp Genetics (formerly Invitae), Labcorp
Classification: Benign for Arrhythmogenic right ventricular dysplasia 12; Naxos disease. Last evaluated: 2026-02-01. Review status: criteria provided, single submitter. Criteria: Invitae Variant Classification Sherloc (09022015). Collection method: clinical testing. Allele origin: germline.

Blueprint Genetics
Classification: Likely benign. Last evaluated: 2024-11-06. Review status: criteria provided, single submitter. Criteria: ACMG Guidelines, 2015. Collection method: clinical testing. Allele origin: germline.

Women's Health and Genetics/Laboratory Corporation of America, LabCorp
Classification: Benign. Last evaluated: 2020-11-17. Review status: criteria provided, single submitter. Criteria: LabCorp Variant Classification Summary - May 2015. Collection method: clinical testing. Allele origin: germline.
Comment: Variant summary: JUP c.1159-13C>A alters a non-conserved nucleotide located close to a canonical splice site and therefore could affect mRNA splicing, leading to a significantly altered protein sequence. 4/4 computational tools predict no significant impact on normal splicing. However, these predictions have yet to be confirmed by functional studies. The variant allele was found at a frequency of 0.0007 in 249090 control chromosomes, predominantly at a frequency of 0.0095 within the African or African-American subpopulation in the gnomAD database, including 2 homozygotes. The observed variant frequency within African or African-American control individuals in the gnomAD database is approximately 1520 fold of the estimated maximal expected allele frequency for a pathogenic variant in JUP causing Arrhythmogenic Right Ventricular Dysplasia/Cardiomyopathy phenotype (6.3e-06), strongly suggesting that the variant is a benign polymorphism found primarily in populations of African or African-American origin. To our knowledge, no occurrence of c.1159-13C>A in individuals affected with Arrhythmogenic Right Ventricular Dysplasia/Cardiomyopathy and no experimental evidence demonstrating its impact on protein function have been reported. Two ClinVar submitters (evaluation after 2014) cite the variant as likely benign/benign. Based on the evidence outlined above, the variant was classified as benign.

ARUP Laboratories, Molecular Genetics and Genomics, ARUP Laboratories
Classification: Benign. Last evaluated: 2019-12-27. Review status: criteria provided, single submitter. Criteria: ARUP Molecular Germline Variant Investigation Process. Collection method: clinical testing. Allele origin: germline.

Illumina Laboratory Services, Illumina
Classification: Likely benign for Naxos disease. Last evaluated: 2017-10-09. Review status: criteria provided, single submitter. Criteria: ICSL Variant Classification Criteria 13 December 2019. Collection method: clinical testing. Allele origin: germline.
Comment: This variant was observed as part of a predisposition screen in an ostensibly healthy population. A literature search was performed for the gene, cDNA change, and amino acid change (where applicable). No publications were found based on this search. Allele frequency data from public databases allowed determination this variant is unlikely to cause disease. Therefore, this variant is classified as likely benign.

Illumina Laboratory Services, Illumina
Classification: Benign for Arrhythmogenic right ventricular dysplasia 12. Last evaluated: 2017-10-09. Review status: criteria provided, single submitter. Criteria: ICSL Variant Classification Criteria 13 December 2019. Collection method: clinical testing. Allele origin: germline.
Comment: This variant was observed as part of a predisposition screen in an ostensibly healthy population. A literature search was performed for the gene, cDNA change, and amino acid change (where applicable). No publications were found based on this search. Allele frequency data from public databases was too high to be consistent with this variant causing disease. Therefore, this variant is classified as benign.

GeneDx
Classification: Benign. Last evaluated: 2014-04-14. Review status: criteria provided, single submitter. Criteria: GeneDx Variant Classification (06012015). Collection method: clinical testing. Allele origin: germline. Affected: yes.
Comment: This variant is considered likely benign or benign based on one or more of the following criteria: it is a conservative change, it occurs at a poorly conserved position in the protein, it is predicted to be benign by multiple in silico algorithms, and/or has population frequency not consistent with disease.

Laboratory for Molecular Medicine, Mass General Brigham Personalized Medicine
Classification: Likely benign. Last evaluated: 2012-03-19. Review status: criteria provided, single submitter. Criteria: LMM Criteria. Collection method: clinical testing. Allele origin: germline. Observed: 4 variant alleles.
Comment: 1159-13C>A in intron 7 of JUP: This variant is not expected to have clinical sig nificance because it has been identified in 0.8% (30/3738) African American chro mosomes from a broad population by the NHLBI Exome Sequencing Project (s.). 1159-13C>A in intron 7 of JUP (allele frequency = 0. 8%, 30/3738) **

Clinical Genetics DNA and cytogenetics Diagnostics Lab, Erasmus MC, Erasmus Medical Center
Classification: Benign. Review status: no assertion criteria provided. Collection method: clinical testing. Allele origin: germline. Affected: yes. Study: VKGL Data-share Consensus. Not counted in ClinVar's aggregate classification.

Clinical Genetics, Academic Medical Center
Classification: Benign. Review status: no assertion criteria provided. Collection method: clinical testing. Allele origin: germline. Affected: yes. Study: VKGL Data-share Consensus. Not counted in ClinVar's aggregate classification.

Diagnostic Laboratory, Department of Genetics, University Medical Center Groningen
Classification: Benign. Review status: no assertion criteria provided. Collection method: clinical testing. Allele origin: germline. Affected: yes. Study: VKGL Data-share Consensus. Not counted in ClinVar's aggregate classification.

Dr. Peter K. Rogan Lab, Western University
No classification provided (evidence only). Condition: Lung cancer. Review status: no classification provided. Collection method: in vitro. Allele origin: not applicable. Functional consequence: skipped exon, retained intron. Not counted in ClinVar's aggregate classification.

Dr. Peter K. Rogan Lab, Western University
No classification provided (evidence only). Condition: Familial cancer of breast. Review status: no classification provided. Collection method: in vitro. Allele origin: not applicable. Functional consequence: skipped exon, retained intron. Not counted in ClinVar's aggregate classification.

Dr. Peter K. Rogan Lab, Western University
No classification provided (evidence only). Condition: Uterine corpus endometrial carcinoma. Review status: no classification provided. Collection method: in vitro. Allele origin: not applicable. Functional consequence: skipped exon. Not counted in ClinVar's aggregate classification.

Dr. Peter K. Rogan Lab, Western University
No classification provided (evidence only). Condition: Cervical cancer. Review status: no classification provided. Collection method: in vitro. Allele origin: not applicable. Functional consequence: retained intron. Not counted in ClinVar's aggregate classification.